The following is an entry in ClinVar:

NM_000535.7(PMS2):c.1158_1159del (p.Lys386fs)

Gene: PMS2 (PMS1 homolog 2, mismatch repair system component; minus strand). Cytogenetic location: 7p22.1.
Variant type: Deletion.
Coding change: c.1158_1159del on transcript NM_000535.7 (MANE Select); coding-DNA positions 1158 to 1159, 2 bases deleted (AA; older notation c.1158_1159delAA).
Protein change: p.Lys386fs; shifts the reading frame from lysine 386.
Molecular consequence: frameshift variant. On other transcripts: non-coding transcript variant (1), intron variant (1).
Genome position (GRCh38, 1-based): chr7:5,987,606-5,987,607, TT deleted on the plus strand (AA on the coding strand, the reverse complement: PMS2 is on the minus strand); deleting any 2 consecutive bases within chr7:5,987,606-5,987,610 gives the same sequence; the c. name uses the placement nearest the transcript's 3' end. VCF-style (leftmost placement, unchanged base first): chr7-5987605-ATT-A. GRCh37 (hg19) VCF-style: chr7-6027236-ATT-A.
Other names: c.750_751delAA, p.Lys251Asnfs (NM_001018040.1); c.753_754del, p.Lys251fs (NM_001322003.2, NM_001322004.2, NM_001322005.2 and 16 more transcripts); c.1002_1003del, p.Lys334fs (NM_001322006.2, NM_001406870.1); c.840_841del, p.Lys280fs (NM_001322007.2, NM_001322008.2, NM_001406876.1 and 2 more transcripts); c.597_598del, p.Lys199fs (NM_001322010.2, NM_001406906.1, NM_001406907.1); c.225_226del, p.Lys75fs (NM_001322011.2, NM_001322012.2); c.585_586del, p.Lys195fs (NM_001322013.2, NM_001406909.1); c.1158_1159del, p.Lys386fs (NM_001322014.2, NM_001406871.1, NM_001406872.1); and 15 more; short protein forms K129fs, K195fs, K199fs, K215fs, K228fs, K231fs, K251fs, K264fs.
Identifiers: ClinVar variation 2674222 (VCV002674222.2), dbSNP rs2128737155, ClinGen allele CA2695198456.

ClinVar aggregate classification (germline): Pathogenic. Review status: criteria provided, multiple submitters, no conflicts (2 of 4 stars). 2 submissions from 2 submitters: Pathogenic (2). Last evaluated 2025-12-16.

Conditions:
Hereditary cancer-predisposing syndrome. Also called: Tumor predisposition; Hereditary Cancer Syndrome; Hereditary neoplastic syndrome; Neoplastic Syndromes, Hereditary. Identifiers: Orphanet 140162, MedGen C0027672, MeSH D009386, MONDO:0015356.
Lynch syndrome 4 (LYNCH4). Also called: Colorectal cancer, hereditary nonpolyposis, type 4; Hereditary non-polyposis colorectal cancer, type 4. Identifiers: Orphanet 144, MedGen C1838333, MONDO:0013699, OMIM 614337. Disease mechanism: loss of function.

Submissions (2):

Ambry Genetics
Classification: Pathogenic for Hereditary cancer-predisposing syndrome. Last evaluated: 2025-12-16. Review status: criteria provided, single submitter. Criteria: Ambry Variant Classification Scheme 2023. Collection method: clinical testing. Allele origin: germline.
Comment: The c.1158_1159delAA pathogenic mutation, located in coding exon 11 of the PMS2 gene, results from a deletion of two nucleotides at nucleotide positions 1158 to 1159, causing a translational frameshift with a predicted alternate stop codon (p.K386Nfs*71). This variant is considered to be rare based on population cohorts in the Genome Aggregation Database (gnomAD). This alteration is expected to result in loss of function by premature protein truncation or nonsense-mediated mRNA decay. As such, this alteration is interpreted as a disease-causing mutation.

Myriad Genetics, Inc.
Classification: Pathogenic for Lynch syndrome 4. Last evaluated: 2023-09-20. Review status: criteria provided, single submitter. Criteria: Myriad Autosomal Dominant, Autosomal Recessive and X-Linked Classification Criteria (2023). Collection method: clinical testing. Allele origin: unknown.
Comment: This variant is considered pathogenic. This variant creates a frameshift predicted to result in premature protein truncation.